The following is an entry in ClinVar:

ClinVar aggregate classification (germline): Uncertain significance (1 of 4 stars; one submission).

Conditions:
Pseudohypoaldosteronism type 2B (PHA2B). Also called: Pseudohypoaldosteronism Type IIB. Identifiers: Orphanet 757, Orphanet 88939, MedGen C1840390, MONDO:0013777, OMIM 614491.

gnomAD v4.1: 10 of 1,614,054 alleles (0.00062%); highest among the groups gnomAD compares: Non-Finnish European, 0.00085%; no homozygotes.

Submission:

Neuberg Centre For Genomic Medicine, NCGM
Classification: Uncertain significance for Pseudohypoaldosteronism type 2B. Last evaluated: 2023-07-22. Review status: criteria provided, single submitter. Criteria: ACMG Guidelines, 2015. Collection method: clinical testing. Allele origin: germline. Inheritance: Autosomal dominant inheritance. Affected: yes.
Comment: The missense variant c.2263A>G p.Met755Val in the WNK4 gene has not been reported previously as a pathogenic variant nor as a benign variant, to our knowledge. The variant is absent in the gnomAD. The amino acid Met at position 755 is changed to a Val changing protein sequence and it might alter its composition and physico-chemical properties. Computational evidence Polyphen, SIFT and MutationTaster predicts conflicting evidence on protein structure and function for this variant. The amino acid change p.Met755Val in WNK4 is predicted as conserved by PhyloP across 100 vertebrates. For these reasons, this variant has been classified as Uncertain Significance.

NM_032387.5(WNK4):c.2263A>G (p.Met755Val)

Gene: WNK4 (WNK lysine deficient protein kinase 4; plus strand). Cytogenetic location: 17q21.2.
Variant type: single nucleotide variant.
Coding change: c.2263A>G on transcript NM_032387.5 (MANE Select); coding-DNA position 2263, A replaced by G.
Protein change: p.Met755Val; replaces methionine 755 with valine.
Molecular consequence: missense variant.
Genome position (GRCh38, 1-based): chr17:42,793,697, A>G. VCF-style: chr17-42793697-A-G. GRCh37 (hg19) VCF-style: chr17-40945715-A-G.
Other names: c.1255A>G, p.Met419Val (NM_001321299.2); short protein forms M419V, M755V.
Identifiers: ClinVar variation 3391223 (VCV003391223.1).